The following is an entry in ClinVar:

ClinVar aggregate classification (germline): Uncertain significance (1 of 4 stars; one submission).

Submission:

Ambry Genetics
Classification: Uncertain significance. Last evaluated: 2022-09-12. Review status: criteria provided, single submitter. Criteria: Ambry Variant Classification Scheme 2023. Collection method: clinical testing. Allele origin: germline.
Comment: The p.L37S variant (also known as c.110T>C), located in coding exon 1 of the IDH1 gene, results from a T to C substitution at nucleotide position 110. The leucine at codon 37 is replaced by serine, an amino acid with dissimilar properties. This amino acid position is conserved. In addition, this alteration is predicted to be deleterious by in silico analysis. Since supporting evidence is limited at this time, the clinical significance of this alteration remains unclear.

NM_005896.4(IDH1):c.110T>C (p.Leu37Ser)

Gene: IDH1 (isocitrate dehydrogenase (NADP(+)) 1; minus strand). Cytogenetic location: 2q34.
Variant type: single nucleotide variant.
Coding change: c.110T>C on transcript NM_005896.4 (MANE Select); coding-DNA position 110, T replaced by C.
Protein change: p.Leu37Ser; replaces leucine 37 with serine.
Molecular consequence: missense variant.
Genome position (GRCh38, 1-based): chr2:208,251,442, A>G on the plus strand (T>C on the coding strand, the complement: IDH1 is on the minus strand). VCF-style: chr2-208251442-A-G. GRCh37 (hg19) VCF-style: chr2-209116166-A-G.
Other names: c.110T>C, p.Leu37Ser (NM_001282386.1, NM_001282387.1); short protein forms L37S.
Identifiers: ClinVar variation 1794852 (VCV001794852.2), dbSNP rs2124867999, ClinGen allele CA350102844.